The following is an entry in ClinVar:

NM_001267550.2(TTN):c.24182A>G (p.Asn8061Ser)

Gene: TTN (titin; minus strand). Cytogenetic location: 2q31.2.
Variant type: single nucleotide variant.
Coding change: c.24182A>G on transcript NM_001267550.2 (MANE Select); coding-DNA position 24182, A replaced by G.
Protein change: p.Asn8061Ser; replaces asparagine 8061 with serine.
Molecular consequence: missense variant. On other transcripts: intron variant (3).
Genome position (GRCh38, 1-based): chr2:178,719,208, T>C on the plus strand (A>G on the coding strand, the complement: TTN is on the minus strand). VCF-style: chr2-178719208-T-C. GRCh37 (hg19) VCF-style: chr2-179583935-T-C.
Other names: c.23231A>G, p.Asn7744Ser (NM_001256850.1); c.20450A>G, p.Asn6817Ser (NM_133378.4); c.13282+18874A>G (NM_003319.4); c.13858+18874A>G (NM_133437.4); c.13657+18874A>G (NM_133432.3); short protein forms N6817S, N7744S, N8061S.
Identifiers: ClinVar variation 1314535 (VCV001314535.2), dbSNP rs752499533, ClinGen allele CA2000486.
Genomic context (GRCh38, chr2:178,719,208, plus strand): 5'-ATCCTTGCACACTGACCTTGCACAGTCAGGACTGCTGAGCACTCATCGGAACCAGCTACA[T>C]TGGCAGCCACACACGTGTATATGCCTGTGTCGGAGGGCTCCAACAAGCTCAGATTCAAAG-3'
Protein context (NP_001254479.2, residues 8051-8071): DTGIYTCVAA[Asn8061Ser]VAGSDECSAV

ClinVar aggregate classification (germline): Uncertain significance (1 of 4 stars; one submission).

Allele frequency attached by ClinVar (database versions not stated): gnomAD exomes below 0.00001 and 0.00002; gnomAD 0.00001; TOPMed 0.00001; ExAC 0.00002.
gnomAD v4.1: 7 of 1,613,616 alleles (0.00043%); highest among the groups gnomAD compares: South Asian, 0.0055%; no homozygotes.

Submission:

GeneDx
Classification: Uncertain significance. Last evaluated: 2021-04-12. Review status: criteria provided, single submitter. Criteria: GeneDx Variant Classification Process June 2021. Collection method: clinical testing. Allele origin: germline. Affected: yes.
Comment: Not observed at a significant frequency in large population cohorts (Lek et al., 2016); Missense variant in a gene in which most reported pathogenic variants are truncating/loss-of-function; Has not been previously published as pathogenic or benign to our knowledge